The following is an entry in ClinVar:

ClinVar aggregate classification (germline): Uncertain significance (1 of 4 stars; one submission).

gnomAD v4.1: 1 of 1,614,204 alleles (0.000062%); highest among the groups gnomAD compares: Non-Finnish European, 0.000085%; no homozygotes.

Submission:

GeneDx
Classification: Uncertain significance. Last evaluated: 2024-05-09. Review status: criteria provided, single submitter. Criteria: GeneDx Variant Classification Process June 2021. Collection method: clinical testing. Allele origin: germline. Affected: yes.
Comment: Not observed at significant frequency in large population cohorts (gnomAD); In silico analysis supports that this missense variant has a deleterious effect on protein structure/function; Has not been previously published as pathogenic or benign to our knowledge

NM_020738.4(KIDINS220):c.4336G>A (p.Gly1446Arg)

Gene: KIDINS220 (kinase D interacting substrate 220; minus strand). Cytogenetic location: 2p25.1.
Variant type: single nucleotide variant.
Coding change: c.4336G>A on transcript NM_020738.4 (MANE Select); coding-DNA position 4336, G replaced by A.
Protein change: p.Gly1446Arg; replaces glycine 1446 with arginine.
Molecular consequence: missense variant. On other transcripts: intron variant (6).
Genome position (GRCh38, 1-based): chr2:8,731,700, C>T on the plus strand (G>A on the coding strand, the complement: KIDINS220 is on the minus strand). VCF-style: chr2-8731700-C-T. GRCh37 (hg19) VCF-style: chr2-8871830-C-T.
Other names: c.4339G>A, p.Gly1447Arg (NM_001348729.2); c.4282G>A, p.Gly1428Arg (NM_001348731.2); c.4279G>A, p.Gly1427Arg (NM_001348732.2); c.4168G>A, p.Gly1390Arg (NM_001348734.2); c.4165G>A, p.Gly1389Arg (NM_001348735.2); c.4039G>A, p.Gly1347Arg (NM_001348736.2); c.3882+1744G>A (NM_001348741.2, NM_001348742.2, NM_001348743.2); c.3996+1744G>A (NM_001348738.2); and 1 more; short protein forms G1347R, G1389R, G1390R, G1427R, G1428R, G1446R, G1447R.
Identifiers: ClinVar variation 3375675 (VCV003375675.1).